The following is an entry in ClinVar:

NM_001035.3(RYR2):c.952G>C (p.Asp318His)

Gene: RYR2 (ryanodine receptor 2; plus strand). Cytogenetic location: 1q43.
Variant type: single nucleotide variant.
Coding change: c.952G>C on transcript NM_001035.3 (MANE Select); coding-DNA position 952, G replaced by C.
Protein change: p.Asp318His; replaces aspartic acid 318 with histidine.
Molecular consequence: missense variant.
Genome position (GRCh38, 1-based): chr1:237,423,195, G>C. VCF-style: chr1-237423195-G-C. GRCh37 (hg19) VCF-style: chr1-237586495-G-C.
Other names: short protein forms D318H.
Identifiers: ClinVar variation 3072361 (VCV003072361.1), dbSNP rs747549741, ClinGen allele CA345385465.

ClinVar aggregate classification (germline): Uncertain significance (1 of 4 stars; one submission).

Conditions:
Catecholaminergic polymorphic ventricular tachycardia (CVPT). Also called: Catecholamine-induced polymorphic ventricular tachycardia. Identifiers: Orphanet 3286, MedGen C5574922, MONDO:0017990.

Submission:

All of Us Research Program, National Institutes of Health
Classification: Uncertain significance for Catecholaminergic polymorphic ventricular tachycardia. Last evaluated: 2023-07-10. Review status: criteria provided, single submitter. Criteria: ACMG Guidelines, 2015. Collection method: clinical testing. Allele origin: germline. Inheritance: Autosomal dominant inheritance. Observed: 1 variant allele, 1 heterozygote.
Comment: This missense variant replaces aspartic acid with histidine at codon 318 of the RYR2 protein. Computational prediction suggests that this variant may have deleterious impact on protein structure and function (internally defined REVEL score threshold >= 0.7, PMID: 27666373). To our knowledge, functional studies have not been reported for this variant. This variant has not been reported in individuals affected with RYR2-related disorders in the literature. This variant has not been identified in the general population by the Genome Aggregation Database (gnomAD). The available evidence is insufficient to determine the role of this variant in disease conclusively. Therefore, this variant is classified as a Variant of Uncertain Significance.

This study involves interpretation of variants in research participants for the purpose of population health screening. Participant phenotype was not available at the time of variant classification. Additional details can be found in publication PMID: 35346344, PMCID: PMC8962531